The following is an entry in ClinVar:

ClinVar aggregate classification (germline): Uncertain significance (1 of 4 stars; one submission).

Submission:

Labcorp Genetics (formerly Invitae), Labcorp
Classification: Uncertain significance. Last evaluated: 2023-08-24. Review status: criteria provided, single submitter. Criteria: Invitae Variant Classification Sherloc (09022015). Collection method: clinical testing. Allele origin: germline.
Comment: In summary, the available evidence is currently insufficient to determine the role of this variant in disease. Therefore, it has been classified as a Variant of Uncertain Significance. Algorithms developed to predict the effect of sequence changes on RNA splicing suggest that this variant may disrupt the consensus splice site. ClinVar contains an entry for this variant (Variation ID: 1917818). This variant has not been reported in the literature in individuals affected with TRRAP-related conditions. This variant is not present in population databases (gnomAD no frequency). This sequence change falls in intron 41 of the TRRAP gene. It does not directly change the encoded amino acid sequence of the TRRAP protein.

NM_001375524.1(TRRAP):c.6232-14_6232-13insCCT

Gene: TRRAP (transformation/transcription domain associated protein; plus strand). Cytogenetic location: 7q22.1.
Variant type: Insertion.
Coding change: c.6232-14_6232-13insCCT on transcript NM_001375524.1 (MANE Select); 14 bases into the intron before coding-DNA position 6232 through 13 bases into the intron before coding-DNA position 6232, CCT inserted.
Molecular consequence: intron variant.
Genome position: GRCh38 VCF-style: chr7-98957967-A-ACCT. GRCh37 (hg19) VCF-style: chr7-98555590-A-ACCT.
Other names: c.6211-14_6211-13insCCT (NM_001244580.2); c.6157-14_6157-13insCCT (NM_003496.4).
Identifiers: ClinVar variation 1917818 (VCV001917818.5), dbSNP rs2484884192, ClinGen allele CA2580077956.